The following is an entry in ClinVar:

ClinVar aggregate classification (germline): Likely pathogenic (1 of 4 stars; one submission).

Conditions:
Citrullinemia type I (CTNL1). Also called: ASS DEFICIENCY; argininosuccinate synthetase deficiency. Identifiers: Orphanet 247525, MedGen C4721769, MONDO:0008988, OMIM 215700.

Submission:

Natera, Inc.
Classification: Likely pathogenic for Citrullinemia type I. Last evaluated: 2025-12-26. Review status: criteria provided, single submitter. Criteria: Natera Variant Classification Schema (03/2026). Collection method: clinical testing. Allele origin: germline.
Comment: The c.160del variant in ASS1 is a frameshift variant predicted to shift the reading frame beginning at codon 56 and leads to a stop codon 84 codons downstream. This variant is expected to result in nonsense mediated decay, truncation, or a dysfunctional protein product. This variant is rare in the general population with a frequency below the threshold expected for the associated phenotype(s). Given the available evidence, this variant is classified as Likely Pathogenic.

NM_054012.4(ASS1):c.160del (p.Ala56fs)

Gene: ASS1 (argininosuccinate synthase 1; plus strand). Cytogenetic location: 9q34.11.
Variant type: Deletion.
Coding change: c.160del on transcript NM_054012.4 (MANE Select); coding-DNA position 160, one base deleted (C; older notation c.160delC).
Protein change: p.Ala56fs; shifts the reading frame from alanine 56.
Molecular consequence: frameshift variant.
Genome position (GRCh38, 1-based): chr9:130,454,359, C deleted. VCF-style (leftmost placement, unchanged base first): chr9-130454358-GC-G. GRCh37 (hg19) VCF-style: chr9-133329745-GC-G.
Other names: c.160del, p.Ala56fs (NM_000050.4); short protein forms A56fs.
Identifiers: ClinVar variation 4818563 (VCV004818563.1).